The following is an entry in ClinVar:

NM_000632.4(ITGAM):c.2725A>G (p.Arg909Gly)

Gene: ITGAM (integrin subunit alpha M; plus strand). Cytogenetic location: 16p11.2.
Variant type: single nucleotide variant.
Coding change: c.2725A>G on transcript NM_000632.4 (MANE Select); coding-DNA position 2725, A replaced by G.
Protein change: p.Arg909Gly; replaces arginine 909 with glycine.
Molecular consequence: missense variant.
Genome position (GRCh38, 1-based): chr16:31,328,163, A>G. VCF-style: chr16-31328163-A-G. GRCh37 (hg19) VCF-style: chr16-31339484-A-G.
Other names: c.2728A>G, p.Arg910Gly (NM_001145808.2); short protein forms R910G, R909G.
Identifiers: ClinVar variation 1927178 (VCV001927178.5), dbSNP rs760964285, ClinGen allele CA8025951.
Genomic context (GRCh38, chr16:31,328,163, plus strand): 5'-TGTCAGTTCTCAAGAGCCGGCTGGAGCTCTTTCTTTCCCTCCAGTGAGAACAACATGCCC[A>G]GAACCAACAAAACCGAATTCCAACTGGAGCTGCCGGTGAAATATGCTGTCTACATGGTGG-3'
Protein context (NP_000623.2, residues 899-919): ANVTSENNMP[Arg909Gly]TNKTEFQLEL

ClinVar aggregate classification (germline): Uncertain significance (1 of 4 stars; one submission).

Allele frequency attached by ClinVar (database versions not stated): ExAC 0.00001; gnomAD 0.00001; TOPMed 0.00001; gnomAD exomes 0.00002.
gnomAD v4.1: 35 of 1,613,866 alleles (0.0022%); highest among the groups gnomAD compares: African/African-American, 0.0027%; no homozygotes.

Submission:

Labcorp Genetics (formerly Invitae), Labcorp
Classification: Uncertain significance. Last evaluated: 2022-01-27. Review status: criteria provided, single submitter. Criteria: Invitae Variant Classification Sherloc (09022015). Collection method: clinical testing. Allele origin: germline.
Comment: In summary, the available evidence is currently insufficient to determine the role of this variant in disease. Therefore, it has been classified as a Variant of Uncertain Significance. Algorithms developed to predict the effect of missense changes on protein structure and function output the following: SIFT: "Deleterious"; PolyPhen-2: "Benign"; Align-GVGD: "Class C0". The glycine amino acid residue is found in multiple mammalian species, which suggests that this missense change does not adversely affect protein function. This variant has not been reported in the literature in individuals affected with ITGAM-related conditions. This variant is present in population databases (rs760964285, gnomAD 0.004%). This sequence change replaces arginine, which is basic and polar, with glycine, which is neutral and non-polar, at codon 909 of the ITGAM protein (p.Arg909Gly).